The following is an entry in ClinVar:

NM_006306.4(SMC1A):c.*1239T>C

Gene: SMC1A (structural maintenance of chromosomes 1A; minus strand). Cytogenetic location: Xp11.22.
Variant type: single nucleotide variant.
Coding change: c.*1239T>C on transcript NM_006306.4 (MANE Select); 1239 bases downstream of the stop codon, T replaced by C.
Molecular consequence: 3 prime UTR variant.
Genome position (GRCh38, 1-based): chrX:53,378,864, A>G on the plus strand (T>C on the coding strand, the complement: SMC1A is on the minus strand). VCF-style: chrX-53378864-A-G. GRCh37 (hg19) VCF-style: chrX-53405785-A-G.
Other names: c.*1239T>C (NM_001281463.1).
Identifiers: ClinVar variation 368579 (VCV000368579.5), dbSNP rs782502306, ClinGen allele CA10654018.

ClinVar aggregate classification (germline): Benign (1 of 4 stars; one submission).

Conditions:
Congenital muscular hypertrophy-cerebral syndrome (CDLS2). Also called: Cornelia de Lange syndrome 2; SMC1A-Related Cornelia de Lange Syndrome. Identifiers: Orphanet 199, MedGen C1802395, MONDO:0010370, OMIM 300590.

Allele frequency attached by ClinVar (database versions not stated): gnomAD 0.00023 and 0.00031; TOPMed 0.00023; 1000 Genomes Project 0.00079; 1000 Genomes Project 30x 0.00083.

Submission:

Illumina Laboratory Services, Illumina
Classification: Benign for Congenital muscular hypertrophy-cerebral syndrome. Last evaluated: 2018-01-13. Review status: criteria provided, single submitter. Criteria: ICSL Variant Classification Criteria 13 December 2019. Collection method: clinical testing. Allele origin: germline.
Comment: This variant was observed in the ICSL laboratory as part of a predisposition screen in an ostensibly healthy population. It had not been previously curated by ICSL or reported in the Human Gene Mutation Database (HGMD: prior to June 1st, 2018), and was therefore a candidate for classification through an automated scoring system. Utilizing variant allele frequency, disease prevalence and penetrance estimates, and inheritance mode, an automated score was calculated to assess if this variant is too frequent to cause the disease. Based on the score and internal cut-off values, a variant classified as benign is not then subjected to further curation. The score for this variant resulted in a classification of benign for this disease.